The following is an entry in ClinVar:

NM_021008.4(DEAF1):c.968C>G (p.Thr323Arg)

Gene: DEAF1 (DEAF1 transcription factor; minus strand). Cytogenetic location: 11p15.5.
Variant type: single nucleotide variant.
Coding change: c.968C>G on transcript NM_021008.4 (MANE Select); coding-DNA position 968, C replaced by G.
Protein change: p.Thr323Arg; replaces threonine 323 with arginine.
Molecular consequence: missense variant. On other transcripts: intron variant (1).
Genome position (GRCh38, 1-based): chr11:680,992, G>C on the plus strand (C>G on the coding strand, the complement: DEAF1 is on the minus strand). VCF-style: chr11-680992-G-C. GRCh37 (hg19) VCF-style: chr11-680992-G-C.
Other names: c.242C>G, p.Thr81Arg (NM_001367390.1, NM_001440885.1, NM_001440886.1 and 1 more transcripts); c.968C>G, p.Thr323Arg (NM_001440883.1, NM_001440884.1); c.731-1176C>G (NM_001293634.2); short protein forms T81R, T323R.
Identifiers: ClinVar variation 2694629 (VCV002694629.3), dbSNP rs2494417583, ClinGen allele CA378928006.

ClinVar aggregate classification (germline): Uncertain significance (1 of 4 stars; one submission).

Submission:

Labcorp Genetics (formerly Invitae), Labcorp
Classification: Uncertain significance. Last evaluated: 2023-11-10. Review status: criteria provided, single submitter. Criteria: Invitae Variant Classification Sherloc (09022015). Collection method: clinical testing. Allele origin: germline.
Comment: This sequence change replaces threonine, which is neutral and polar, with arginine, which is basic and polar, at codon 323 of the DEAF1 protein (p.Thr323Arg). This variant is not present in population databases (gnomAD no frequency). This variant has not been reported in the literature in individuals affected with DEAF1-related conditions. Advanced modeling of protein sequence and biophysical properties (such as structural, functional, and spatial information, amino acid conservation, physicochemical variation, residue mobility, and thermodynamic stability) has been performed at Invitae for this missense variant, however the output from this modeling did not meet the statistical confidence thresholds required to predict the impact of this variant on DEAF1 protein function. In summary, the available evidence is currently insufficient to determine the role of this variant in disease. Therefore, it has been classified as a Variant of Uncertain Significance.